The following is an entry in ClinVar:

NM_001205019.2(GK):c.1545G>A (p.Lys515=)

Gene: GK (glycerol kinase; plus strand). Cytogenetic location: Xp21.2.
Variant type: single nucleotide variant.
Coding change: c.1545G>A on transcript NM_001205019.2 (MANE Select); coding-DNA position 1545, G replaced by A.
Protein change: p.Lys515=; no amino-acid change (lysine 515 retained).
Molecular consequence: synonymous variant.
Genome position (GRCh38, 1-based): chrX:30,724,144, G>A. VCF-style: chrX-30724144-G-A. GRCh37 (hg19) VCF-style: chrX-30742261-G-A.
Other names: c.1527G>A, p.Lys509= (NM_000167.6, NM_001128127.3); c.1545G>A, p.Lys515= (NM_203391.4); c.1527G>A (NM_001128127.2).
Identifiers: ClinVar variation 758151 (VCV000758151.4), dbSNP rs774350080, ClinGen allele CA10376932.
Genomic context (GRCh38, chrX:30,724,144, plus strand): 5'-CTACCTTCTAATTCTAGAAAGTGAAATTCGTTATTCTACATGGAAGAAAGCTGTGATGAA[G>A]TCAATGGGTTGGGTTACAACTCAATCTCCAGAAAGTGGTAAAAATGTTTTTGTTTATTAT-3'
Protein context (NP_001191948.1, residues 505-525): RYSTWKKAVM[Lys515=]SMGWVTTQSP

ClinVar aggregate classification (germline): Benign. Review status: criteria provided, single submitter (1 of 4 stars). 2 submissions from 2 submitters: Benign (1). 1 of the submissions does not count toward it. Last evaluated 2018-07-06.

Conditions:
GK-related disorder. Also called: GK-related condition.

Allele frequency attached by ClinVar (database versions not stated): gnomAD 0.00004; gnomAD exomes 0.00005 and 0.00026; TOPMed 0.00011; ExAC 0.00030.
gnomAD v4.1: 55 of 1,178,385 alleles (0.0047%); highest among the groups gnomAD compares: Admixed American, 0.12%; 1 homozygote.

Submissions (2):

Labcorp Genetics (formerly Invitae), Labcorp
Classification: Benign. Last evaluated: 2018-07-06. Review status: criteria provided, single submitter. Criteria: Invitae Variant Classification Sherloc (09022015). Collection method: clinical testing. Allele origin: germline.

PreventionGenetics, part of Exact Sciences
Classification: Likely benign for GK-related condition. Last evaluated: 2024-03-20. Review status: no assertion criteria provided. Collection method: clinical testing. Allele origin: germline. Not counted in ClinVar's aggregate classification.
Comment: This variant is classified as likely benign based on ACMG/AMP sequence variant interpretation guidelines (Richards et al. 2015 PMID: 25741868, with internal and published modifications).